The following is an entry in ClinVar:

ClinVar aggregate classification (germline): Uncertain significance (1 of 4 stars; one submission).

gnomAD v4.1: 4 of 1,612,084 alleles (0.00025%); highest among the groups gnomAD compares: Non-Finnish European, 0.00025%; no homozygotes.

Submission:

Labcorp Genetics (formerly Invitae), Labcorp
Classification: Uncertain significance. Last evaluated: 2024-11-05. Review status: criteria provided, single submitter. Criteria: Invitae Variant Classification Sherloc (09022015). Collection method: clinical testing. Allele origin: germline.
Comment: This sequence change replaces proline, which is neutral and non-polar, with leucine, which is neutral and non-polar, at codon 706 of the COL18A1 protein (p.Pro706Leu). This variant is present in population databases (rs79980197, gnomAD 0.0009%). This variant has not been reported in the literature in individuals affected with COL18A1-related conditions. ClinVar contains an entry for this variant (Variation ID: 1981149). Experimental studies and prediction algorithms are not available or were not evaluated, and the functional significance of this variant is currently unknown. In summary, the available evidence is currently insufficient to determine the role of this variant in disease. Therefore, it has been classified as a Variant of Uncertain Significance.

NM_001379500.1(COL18A1):c.2117C>T (p.Pro706Leu)

Gene: COL18A1 (collagen type XVIII alpha 1 chain; plus strand). Cytogenetic location: 21q22.3.
Variant type: single nucleotide variant.
Coding change: c.2117C>T on transcript NM_001379500.1 (MANE Select); coding-DNA position 2117, C replaced by T.
Protein change: p.Pro706Leu; replaces proline 706 with leucine.
Molecular consequence: missense variant.
Genome position (GRCh38, 1-based): chr21:45,491,274, C>T. VCF-style: chr21-45491274-C-T. GRCh37 (hg19) VCF-style: chr21-46911188-C-T.
Other names: c.2657C>T, p.Pro886Leu (NM_030582.4); c.3362C>T, p.Pro1121Leu (NM_130444.3); short protein forms P706L, P1121L, P886L.
Identifiers: ClinVar variation 1981149 (VCV001981149.3), dbSNP rs79980197, ClinGen allele CA10066813.
Genomic context (GRCh38, chr21:45,491,274, plus strand): 5'-TCCTCTTCCAGGGAGATCCAGGGAAGGACGGAGTCGGGCAGCCGGGCCTCCCTGGCCCCC[C>T]CGGACCCCCGGGACCTGTGGTCTACGTGTCGGAGCAGGACGTAAGGACGCTGCGTGGGTG-3'
Protein context (NP_001366429.1, residues 696-716): GVGQPGLPGP[Pro706Leu]GPPGPVVYVS